The following continues an entry in ClinVar:

NM_002834.5(PTPN11):c.182A>G (p.Asp61Gly)

Gene: PTPN11. ClinVar aggregate classification (germline): Pathogenic. Pathogenic (26).

Submissions 7 to 19 of 33:

ARUP Laboratories, Molecular Genetics and Genomics, ARUP Laboratories
Classification: Pathogenic. Last evaluated: 2024-02-23. Review status: criteria provided, single submitter. Criteria: ARUP Molecular Germline Variant Investigation Process 2024. Collection method: clinical testing. Allele origin: germline.
Comment: The PTPN11 c.182A>G; p.Asp61Gly variant (rs121918461), is reported in the literature in numerous individuals affected with Noonan syndrome with or without juvenile myelomonocytic leukemia or other myeloproliferative disorders, including at least one instance of de novo inheritance (Araki 2004, Athota 2020, Bonetti 2014, Brannon 2014, Keilhack 2005, Kontaridis 2006, Kratz 2005, Musante 2003, Strullu 2014, Tartaglia 2002, Tartaglia 2001, Xu 2010, Yoshida 2004). This variant is also reported in ClinVar (Variation ID: 13330) and is absent from the Genome Aggregation Database, indicating it is not a common polymorphism. In vitro functional analyses demonstrate that this variant causes increased basal activity of the PTPN11 protein and mouse and zebrafish models expressing this variant have features that are consistent with Noonan syndrome (Araki 2004, Bonetti 2014, Keilhack 2005, Kontaridis 2006, Xu 2010). Computational analyses predict that this variant is deleterious (REVEL: 0.92). Based on available information, this variant is considered to be pathogenic. References: Araki T et al. Mouse model of Noonan syndrome reveals cell type- and gene dosage-dependent effects of Ptpn11 mutation. Nat Med. 2004 Aug. PMID: 15273746. Athota JP et al. Molecular and clinical studies in 107 Noonan syndrome affected individuals with PTPN11 mutations. BMC Med Genet. 2020 Mar 12. PMID: 32164556. Bonetti M et al. Noonan and LEOPARD syndrome Shp2 variants induce heart displacement defects in zebrafish. Development. 2014 May. PMID: 24718990. Brannon AR et al. Comparative sequencing analysis reveals high genomic concordance between matched primary and metastatic colorectal cancer lesions. Genome Biol. 2014 Aug 28. PMID: 25164765. Keilhack H et al. Diverse biochemical properties of Shp2 mutants. Implications for disease phenotypes. J Biol Chem. 2005 Sep 2. PMID: 15987685. Kontaridis MI et al. PTPN11 (Shp2) mutations in LEOPARD syndrome have dominant negative, not activating, effects. J Biol Chem. 2006 Mar 10. PMID: 16377799. Kratz CP et al. The mutational spectrum of PTPN11 in juvenile myelomonocytic leukemia and Noonan syndrome/myeloproliferative disease. Blood. 2005 Sep 15. PMID: 15928039. Musante L et al. Spectrum of mutations in PTPN11 and genotype-phenotype correlation in 96 patients with Noonan syndrome and five patients with cardio-facio-cutaneous syndrome. Eur J Hum Genet. 2003 Feb. PMID: 12634870. Strullu M et al. Juvenile myelomonocytic leukaemia and Noonan syndrome. J Med Genet. 2014 Oct. PMID: 25097206. Tartaglia M et al. PTPN11 mutations in Noonan syndrome: molecular spectrum, genotype-phenotype correlation, and phenotypic heterogeneity. Am J Hum Genet. 2002 Jun. PMID: 11992261. Tartaglia M et al. Mutations in PTPN11, encoding the protein tyrosine phosphatase SHP-2, cause Noonan syndrome. Nature genetics. 2001 Dec. PMID: 11704759. Xu D et al. A germline gain-of-function mutation in Ptpn11 (Shp-2) phosphatase induces myeloproliferative disease by aberrant activation of hematopoietic stem cells. Blood. 2010 Nov 4. PMID: 20651068. Yoshida R et al. Protein-tyrosine phosphatase, nonreceptor type 11 mutation analysis and clinical assessment in 45 patients with Noonan syndrome. J Clin Endocrinol Metab. 2004 Jul. PMID: 15240615

Division of Human Genetics, National Health Laboratory Service/University of the Witwatersrand
Classification: Pathogenic for RASopathy. Last evaluated: 2023-07-01. Review status: criteria provided, single submitter. Criteria: ACMG Guidelines, 2015. Collection method: research. Allele origin: germline. Affected: yes.

Illumina Laboratory Services, Illumina
Classification: Pathogenic for Noonan syndrome 1. Last evaluated: 2022-12-20. Review status: criteria provided, single submitter. Criteria: ICSLVariantClassificationCriteria RUGD 01 April 2020. Collection method: clinical testing. Allele origin: unknown.
Comment: The PTPN11 c.182A>G (p.Asp61Gly) missense variant results in the substitution of asparagine at amino acid position 61 with glycine. This variant is one of the most commonvPTPN11 variants reported in association with Noonan syndrome. Across a selection of the available literature, the c.182A>G variant has been reported in at least 28 individuals with Noonan syndrome, at least six of whom also showed features of juvenile myelomonocytic leukemia or myeloproliferative disorder (PMID: 11992261; PMID: 15928039; PMID: 25097206; PMID: 26084119). The c.182A>G variant has also been shown to occur de novo in at least two additional affected individuals (PMID: 23321623; PMID: 26242988). This variant is not found in version 2.1.1 or version 3.1.2 of the Genome Aggregation Database. Structural modeling has shown that asparagine 61 is located at the N-SH2/PTP interaction surface, which is a mutational hotspot (PMID: 11992261), and functional assays have demonstrated that the variant enhances basal protein activity (gain of function) (PMID: 15987685). A heterozygous knock-in mouse model with the p.Asp61Gly amino acid change exhibits decreased viability and recapitulates clinical features of Noonan syndrome, including short stature, craniofacial anomalies, and myeloproliferative disease (PMID: 15273746). This variant was also identified in a de novo state. Based on the available evidence, the c.182A>G (p.Asp61Gly) variant is classified as pathogenic for Noonan syndrome.

Institute of Immunology and Genetics Kaiserslautern
Classification: Pathogenic for Noonan syndrome 1. Last evaluated: 2022-07-08. Review status: criteria provided, single submitter. Criteria: ACMG Guidelines, 2015. Collection method: clinical testing. Allele origin: de novo. Affected: yes.
Comment: ACMG Criteria: PS2, PS3, PM1, PM2_P, PM5, PP2, PP3, PP5; Variant was found heterozygously in de novo-status by prenatal trio exome sequence analysis.

Baylor Genetics
Classification: Pathogenic for Metachondromatosis. Last evaluated: 2022-06-28. Review status: criteria provided, single submitter. Criteria: ACMG Guidelines, 2015. Collection method: clinical testing. Allele origin: unknown.

Baylor Genetics
Classification: Pathogenic for LEOPARD syndrome 1. Last evaluated: 2022-06-28. Review status: criteria provided, single submitter. Criteria: ACMG Guidelines, 2015. Collection method: clinical testing. Allele origin: unknown.

Baylor Genetics
Classification: Pathogenic for Noonan syndrome 1. Last evaluated: 2022-06-28. Review status: criteria provided, single submitter. Criteria: ACMG Guidelines, 2015. Collection method: clinical testing. Allele origin: unknown.

Clinical Genetics Laboratory, Skane University Hospital Lund
Classification: Pathogenic. Last evaluated: 2022-05-27. Review status: criteria provided, single submitter. Criteria: ACMG Guidelines, 2015. Collection method: clinical testing. Allele origin: germline. Affected: yes.

GeneDx
Classification: Pathogenic. Last evaluated: 2022-03-18. Review status: criteria provided, single submitter. Criteria: GeneDx Variant Classification Process June 2021. Collection method: clinical testing. Allele origin: germline. Affected: yes.
Comment: A published mouse model demonstrates that homozygous expression of the p(D61G) mutant is embryonic lethal, whereas heterozygotes have decreased viability and the surviving mice had features of Noonan syndrome and myeloproliferative disease, mimicking the human phenotype (Araki et al., 2004); In silico analysis, which includes protein predictors and evolutionary conservation, supports a deleterious effect; Missense variants in this gene are often considered pathogenic (HGMD); Not observed in large population cohorts (gnomAD); Published functional studies demonstrate that p.(D61G) leads to enhanced basal activity of the protein compared to wild type (gain of function effect) (Keilhack et al., 2005); This variant is associated with the following publications: (PMID: 30355600, 30029678, 32164556, 19835954, 20651068, 24628801, 16377799, 19008228, 24718990, 27521173, 26242988, 24803665, 25383899, 22371576, 28328117, 28346493, 27924582, 11704759, 28366775, 28378436, 29659837, 30417923, 26918529, 30050098, 29907801, 31219622, 29146900, 31617209, 31324109, 33971972, 32981126, 32499374, 34006472, 11992261, 9491886, 16053901, 29493581, 15273746, 15987685)

Fulgent Genetics
Classification: Pathogenic for LEOPARD syndrome 1; Metachondromatosis; Noonan syndrome 1; Juvenile myelomonocytic leukemia. Last evaluated: 2021-10-22. Review status: criteria provided, single submitter. Criteria: ACMG Guidelines, 2015. Collection method: clinical testing. Allele origin: unknown.

Institute of Medical Genetics and Applied Genomics, University Hospital Tübingen
Classification: Pathogenic. Last evaluated: 2020-10-23. Review status: criteria provided, single submitter. Criteria: ACMG Guidelines, 2015. Collection method: clinical testing. Allele origin: germline. Inheritance: Autosomal dominant inheritance. Affected: yes.

Genomic Medicine Lab, University of California San Francisco
Classification: Pathogenic for Non-immune hydrops fetalis. Last evaluated: 2020-08-13. Review status: criteria provided, single submitter. Criteria: ACMG Guidelines, 2015. Collection method: clinical testing. Allele origin: de novo. Inheritance: Autosomal dominant inheritance. Affected: yes. Study: CSER-P3EGS.

Genomic Medicine Lab, University of California San Francisco
Classification: Pathogenic for Noonan syndrome 1. Last evaluated: 2020-04-30. Review status: criteria provided, single submitter. Criteria: ACMG Guidelines, 2015. Collection method: clinical testing. Allele origin: de novo. Inheritance: Autosomal dominant inheritance. Affected: yes. Study: CSER-P3EGS.